The following is an entry in ClinVar:

GRCh38/hg38 17q21.31(chr17:45578381-46273786)x1

Genes: CRHR1 (corticotropin releasing hormone receptor 1), KANSL1 (KAT8 regulatory NSL complex subunit 1), KANSL1-AS1 (KANSL1 antisense RNA 1), LINC02210 (long intergenic non-protein coding RNA 2210), LINC02210-CRHR1 (LINC02210-CRHR1 readthrough) and 9 more. Cytogenetic location: 17q21.31.
Variant type: copy number loss.
Change: copy number 1 (one copy instead of two) of chr17:45,578,381-46,273,786 (695.4 kb, GRCh38 coordinates, 1-based), cytogenetic band 17q21.31.
Identifiers: ClinVar variation 160838 (VCV000160838.1).

ClinVar aggregate classification (germline): Pathogenic (1 of 4 stars; one submission).

Submission:

ISCA site 4
Classification: Pathogenic. Last evaluated: 2011-08-12. Review status: criteria provided, single submitter. Criteria: Kaminsky et al. (Genet Med. 2011). Collection method: clinical testing. Allele origin: unknown. Affected: yes. Observed: 1 variant allele.
Comment: Copy number variation identified through the course of routine clinical cytogenomic testing in postnatal populations. Clinical assertions have been curated as described in Kaminsky et al. 2011.